The following is an entry in ClinVar:

NM_001041.4(SI):c.2631T>C (p.Thr877=)

Gene: SI (sucrase-isomaltase; minus strand). Cytogenetic location: 3q26.1.
Variant type: single nucleotide variant.
Coding change: c.2631T>C on transcript NM_001041.4 (MANE Select); coding-DNA position 2631, T replaced by C.
Protein change: p.Thr877=; no amino-acid change (threonine 877 retained).
Molecular consequence: synonymous variant.
Genome position (GRCh38, 1-based): chr3:165,032,627, A>G on the plus strand (T>C on the coding strand, the complement: SI is on the minus strand). VCF-style: chr3-165032627-A-G. GRCh37 (hg19) VCF-style: chr3-164750415-A-G.
Identifiers: ClinVar variation 1899720 (VCV001899720.29), dbSNP rs769278732, ClinGen allele CA2690582.
Genomic context (GRCh38, chr3:165,032,627, plus strand): 5'-TTGATTATTTTCCGCCACTCTAACTTCTGTAACACTGTCTGTCAACCCAAGGATTTTTAC[A>G]GTCTGAAATGCTAAGGTAGTTCCTTCCTGATATGATGAATGTGTGCACACAATATCTAAT-3'
Protein context (NP_001032.2, residues 867-887): YQEGTTLAFQ[Thr877=]VKILGLTDSV

ClinVar aggregate classification (germline): Likely benign. Review status: criteria provided, multiple submitters, no conflicts (2 of 4 stars). 2 submissions from 2 submitters: Likely benign (2). Last evaluated 2025-10-25.

Allele frequency attached by ClinVar (database versions not stated): ExAC 0.00001; gnomAD 0.00001; TOPMed 0.00001.
gnomAD v4.1: 5 of 1,608,592 alleles (0.00031%); highest among the groups gnomAD compares: Non-Finnish European, 0.00043%; no homozygotes.

Submissions (2):

Labcorp Genetics (formerly Invitae), Labcorp
Classification: Likely benign. Last evaluated: 2025-10-25. Review status: criteria provided, single submitter. Criteria: Invitae Variant Classification Sherloc (09022015). Collection method: clinical testing. Allele origin: germline.

CeGaT Center for Human Genetics Tuebingen
Classification: Likely benign. Last evaluated: 2022-08-01. Review status: criteria provided, single submitter. Criteria: CeGaT Center For Human Genetics Tuebingen Variant Classification Criteria Version 2. Collection method: clinical testing. Allele origin: germline. Affected: yes. Observed: 1 variant allele.
Comment: SI: BP4, BP7